The following is an entry in ClinVar:

ClinVar aggregate classification (germline): Uncertain significance (1 of 4 stars; one submission).

Conditions:
Familial intrahepatic cholestasis. Identifiers: Orphanet 284385, MedGen CN296401, MONDO:0017290.

Submission:

Genomenon, Inc
Classification: Uncertain significance for Familial intrahepatic cholestasis. Last evaluated: 2026-04-14. Review status: criteria provided, single submitter. Criteria: Genomenon Sequence Variant Interpretation Standards - Updated. Collection method: curation. Allele origin: germline. Affected: yes.
Comment: ATP8B1 p.Leu1042Pro (c.3125T>C) is a missense variant that changes the amino acid at residue 1042 from Leucine to Proline. This variant has been observed in at least one proband with features of ATP8B1-deficiency (PMID:33437900). At least one functional study has demonstrated a substantial alteration in protein function relative to the wild-type (PMID:33437900). At least one splicing study demonstrated no effect on splicing (PMID:33437900). It is absent or not present at a significant frequency in gnomAD. In conclusion, we classify ATP8B1 p.Leu1042Pro (c.3125T>C) as a variant of uncertain significance.

Literature cited by the submitters: PubMed 33437900.

NM_001374385.1(ATP8B1):c.3125T>C (p.Leu1042Pro)

Genes: ATP8B1-AS1 (ATP8B1 antisense RNA 1; plus strand), ATP8B1 (ATPase phospholipid transporting 8B1; minus strand). Cytogenetic location: 18q21.31.
Variant type: single nucleotide variant.
Coding change: c.3125T>C on transcript NM_001374385.1 (MANE Select); coding-DNA position 3125, T replaced by C.
Protein change: p.Leu1042Pro; replaces leucine 1042 with proline.
Molecular consequence: missense variant.
Genome position (GRCh38, 1-based): chr18:57,652,620, A>G on the plus strand (T>C on the coding strand, the complement: ATP8B1 is on the minus strand). VCF-style: chr18-57652620-A-G. GRCh37 (hg19) VCF-style: chr18-55319852-A-G.
Other names: c.2975T>C, p.Leu992Pro (NM_001374386.1); c.3125T>C, p.Leu1042Pro (NM_005603.6); short protein forms L1042P, L992P.
Identifiers: ClinVar variation 4846246 (VCV004846246.1).
Genomic context (GRCh38, chr18:57,652,620, plus strand): 5'-TCCTGCCCTACGGTTTGCAGATAAGCTCCAAGAGGTATGAAGAAGAGGATCATCGATGTT[A>G]GGACCCCATGCAACAAGCTTACAAAGAATCTCTTATAGTTGAATAGTAAGTCTCTTTGTC-3'
Protein context (NP_001361314.1, residues 1032-1052): RFFVSLLHGV[Leu1042Pro]TSMILFFIPL